The following is an entry in ClinVar:

ClinVar aggregate classification (germline): Benign/Likely benign. Review status: criteria provided, multiple submitters, no conflicts (2 of 4 stars). 20 submissions from 20 submitters: Benign (13); Likely benign (2). 5 of the submissions do not count toward it. Last evaluated 2026-09-01.

Conditions:
Auditory neuropathy, autosomal dominant 3 (AUNA3). Identifiers: MedGen C5676964, MONDO:0859235, OMIM 619832.
Arrhythmogenic right ventricular dysplasia 5. Also called: Arrhythmogenic Right Ventricular Dysplasia/Cardiomyopathy 5; ARRHYTHMOGENIC RIGHT VENTRICULAR DYSPLASIA, FAMILIAL, 5. Identifiers: MedGen C1858379, MONDO:0011459, OMIM 604400.
Emery-Dreifuss muscular dystrophy 7, autosomal dominant (EDMD7). Also called: Emery-Dreifuss muscular dystrophy 7, AD. Identifiers: Orphanet 261, MedGen C3553060, MONDO:0013677, OMIM 614302.
Cardiovascular phenotype. Identifiers: MedGen CN230736.
Cardiomyopathy (CMYO). Also called: Cardiomyopathies. Identifiers: Orphanet 167848, MedGen C0878544, MONDO:0004994, HP:0001638. Inheritance: Various modes of inheritance.

Allele frequency attached by ClinVar (database versions not stated): 1000 Genomes Project 30x 0.00375; gnomAD exomes 0.01156 and 0.00806; ExAC 0.00804; gnomAD 0.00841 and 0.00813; 1000 Genomes Project 0.00399; TOPMed 0.00826; ESP Exome Variant Server 0.00900.
gnomAD v4.1: 17,988 of 1,613,732 alleles (1.1%); highest among the groups gnomAD compares: Non-Finnish European, 1.4%; 141 homozygotes.

Submissions (20):

CeGaT Center for Human Genetics Tuebingen
Classification: Benign. Last evaluated: 2026-09-01. Review status: criteria provided, single submitter. Criteria: CeGaT Center For Human Genetics Tuebingen Variant Classification Criteria Version 2. Collection method: clinical testing. Allele origin: germline. Affected: yes. Observed: 98 variant alleles.
Comment: TMEM43: BP4, BP7, BS1, BS2

Labcorp Genetics (formerly Invitae), Labcorp
Classification: Benign for Arrhythmogenic right ventricular dysplasia 5. Last evaluated: 2026-02-04. Review status: criteria provided, single submitter. Criteria: Invitae Variant Classification Sherloc (09022015). Collection method: clinical testing. Allele origin: germline.

ARUP Laboratories, Molecular Genetics and Genomics, ARUP Laboratories
Classification: Benign. Last evaluated: 2025-07-22. Review status: criteria provided, single submitter. Criteria: ARUP Molecular Germline Variant Investigation Process 2024. Collection method: clinical testing. Allele origin: germline.

Molecular Diagnostic Laboratory for Inherited Cardiovascular Disease, Montreal Heart Institute
Classification: Benign. Last evaluated: 2025-04-09. Review status: criteria provided, single submitter. Criteria: ACMG Guidelines, 2015. Collection method: clinical testing. Allele origin: germline. Affected: no.

Blueprint Genetics
Classification: Benign. Last evaluated: 2024-11-26. Review status: criteria provided, single submitter. Criteria: ACMG Guidelines, 2015. Collection method: clinical testing. Allele origin: germline.

All of Us Research Program, National Institutes of Health
Classification: Benign for Arrhythmogenic right ventricular dysplasia 5. Last evaluated: 2024-02-05. Review status: criteria provided, single submitter. Criteria: ACMG Guidelines, 2015. Collection method: clinical testing. Allele origin: germline. Inheritance: Autosomal dominant inheritance. Observed: 2,405 variant alleles, 2,394 heterozygotes, 11 homozygotes.
Comment: This study involves interpretation of variants in research participants for the purpose of population health screening. Participant phenotype was not available at the time of variant classification. Additional details can be found in publication PMID: 35346344, PMCID: PMC8962531

Fulgent Genetics
Classification: Likely benign for Arrhythmogenic right ventricular dysplasia 5; Emery-Dreifuss muscular dystrophy 7, autosomal dominant; Auditory neuropathy, autosomal dominant 3. Last evaluated: 2021-10-05. Review status: criteria provided, single submitter. Criteria: ACMG Guidelines, 2015. Collection method: clinical testing. Allele origin: unknown.

Mayo Clinic Laboratories, Mayo Clinic
Classification: Benign. Last evaluated: 2018-10-29. Review status: criteria provided, single submitter. Criteria: ACMG Guidelines, 2015. Collection method: clinical testing. Allele origin: germline. Observed: 39 variant alleles.

Color Diagnostics, LLC DBA Color Health
Classification: Benign for Cardiomyopathy. Last evaluated: 2018-03-08. Review status: criteria provided, single submitter. Criteria: ACMG Guidelines, 2015. Collection method: clinical testing. Allele origin: germline.

CHEO Genetics Diagnostic Laboratory, Children's Hospital of Eastern Ontario
Classification: Benign for Cardiomyopathy. Last evaluated: 2015-10-22. Review status: criteria provided, single submitter. Criteria: ACMG Guidelines, 2015. Collection method: clinical testing. Allele origin: germline. Study: Canadian Open Genetics Repository.

Ambry Genetics
Classification: Benign for Cardiovascular phenotype. Last evaluated: 2015-05-13. Review status: criteria provided, single submitter. Criteria: Ambry Variant Classification Scheme 2023. Collection method: clinical testing. Allele origin: germline.

GeneDx
Classification: Benign. Last evaluated: 2015-03-03. Review status: criteria provided, single submitter. Criteria: GeneDx Variant Classification Process June 2021. Collection method: clinical testing. Allele origin: germline. Affected: yes.

Genetic Services Laboratory, University of Chicago
Classification: Benign. Last evaluated: 2015-02-10. Review status: criteria provided, single submitter. Criteria: ACMG Guidelines, 2015. Collection method: clinical testing. Allele origin: germline.

Laboratory for Molecular Medicine, Mass General Brigham Personalized Medicine
Classification: Benign. Last evaluated: 2008-12-05. Review status: criteria provided, single submitter. Criteria: LMM Criteria. Collection method: clinical testing. Allele origin: germline. Observed: 44 variant alleles.

PreventionGenetics, part of Exact Sciences
Classification: Likely benign. Review status: criteria provided, single submitter. Criteria: ACMG Guidelines, 2015. Collection method: clinical testing. Allele origin: germline.

Clinical Genetics DNA and cytogenetics Diagnostics Lab, Erasmus MC, Erasmus Medical Center
Classification: Benign. Review status: no assertion criteria provided. Collection method: clinical testing. Allele origin: germline. Affected: yes. Study: VKGL Data-share Consensus. Not counted in ClinVar's aggregate classification.

Clinical Genetics, Academic Medical Center
Classification: Benign. Review status: no assertion criteria provided. Collection method: clinical testing. Allele origin: germline. Affected: yes. Study: VKGL Data-share Consensus. Not counted in ClinVar's aggregate classification.

Diagnostic Laboratory, Department of Genetics, University Medical Center Groningen
Classification: Likely benign. Review status: no assertion criteria provided. Collection method: clinical testing. Allele origin: germline. Affected: yes. Study: VKGL Data-share Consensus. Not counted in ClinVar's aggregate classification.

Genome Diagnostics Laboratory, University Medical Center Utrecht
Classification: Benign. Review status: no assertion criteria provided. Collection method: clinical testing. Allele origin: germline. Affected: yes. Study: VKGL Data-share Consensus. Not counted in ClinVar's aggregate classification.

Joint Genome Diagnostic Labs from Nijmegen and Maastricht, Radboudumc and MUMC+
Classification: Benign. Review status: no assertion criteria provided. Collection method: clinical testing. Allele origin: germline. Affected: yes. Study: VKGL Data-share Consensus. Not counted in ClinVar's aggregate classification.

NM_024334.3(TMEM43):c.222C>T (p.Pro74=)

Gene: TMEM43 (transmembrane protein 43; plus strand). Cytogenetic location: 3p25.1.
Variant type: single nucleotide variant.
Coding change: c.222C>T on transcript NM_024334.3 (MANE Select); coding-DNA position 222, C replaced by T.
Protein change: p.Pro74=; no amino-acid change (proline 74 retained).
Molecular consequence: synonymous variant.
Genome position (GRCh38, 1-based): chr3:14,130,881, C>T. VCF-style: chr3-14130881-C-T. GRCh37 (hg19) VCF-style: chr3-14172381-C-T.
Other names: p.Pro74=.
Identifiers: ClinVar variation 46141 (VCV000046141.81), dbSNP rs34099410, ClinGen allele CA024632.
Genomic context (GRCh38, chr3:14,130,881, plus strand): 5'-GGGCCGCGCATTGAAGACGGCAACCTCATTGGCTGAGGGGCTCTCGCTTGTGGTGTCTCC[C>T]GACAGCATCCACAGTGTGGCTCCGGAGAATGAAGGAAGGCTGGTGCACATCATTGGCGCC-3'
Protein context (NP_077310.1, residues 64-84): LAEGLSLVVS[Pro74=]DSIHSVAPEN